The following is an entry in ClinVar:

NM_001371395.1(USP53):c.3041T>C (p.Ile1014Thr)

Gene: USP53 (ubiquitin specific peptidase 53; plus strand). Cytogenetic location: 4q26.
Variant type: single nucleotide variant.
Coding change: c.3041T>C on transcript NM_001371395.1 (MANE Select); coding-DNA position 3041, T replaced by C.
Protein change: p.Ile1014Thr; replaces isoleucine 1014 with threonine.
Molecular consequence: missense variant. On other transcripts: 3 prime UTR variant (4).
Genome position (GRCh38, 1-based): chr4:119,293,030, T>C. VCF-style: chr4-119293030-T-C. GRCh37 (hg19) VCF-style: chr4-120214185-T-C.
Other names: c.3041T>C (NM_019050.2); c.2888T>C, p.Ile963Thr (NM_001371396.1, NM_001389661.1); c.*541T>C (NM_001371397.1, NM_001371398.1, NM_001389666.1 and 1 more transcripts); c.3041T>C, p.Ile1014Thr (NM_001371399.1, NM_001389658.1, NM_001389659.1 and 1 more transcripts); c.2891T>C, p.Ile964Thr (NM_001389660.1); c.2693T>C, p.Ile898Thr (NM_001389662.1, NM_001389663.1, NM_001389664.1); c.2540T>C, p.Ile847Thr (NM_001389665.1); short protein forms I847T, I898T, I963T, I964T, I1014T.
Identifiers: ClinVar variation 2145865 (VCV002145865.8), dbSNP rs112315516, ClinGen allele CA3059496.
Genomic context (GRCh38, chr4:119,293,030, plus strand): 5'-ACACACCAAACTGTCCATCCAGCTCCTCAACTAACGATTTTCAGGCAAACTCAGGTGCCA[T>C]TGATGCATTTTGCCAACCAGAACTAGACTCTATTTCTACCTGTCCAAATGAGACAGTTTC-3'
Protein context (NP_001358324.1, residues 1004-1024): TNDFQANSGA[Ile1014Thr]DAFCQPELDS

ClinVar aggregate classification (germline): Conflicting classifications of pathogenicity. Review status: criteria provided, conflicting classifications (1 of 4 stars). 3 submissions from 3 submitters: Uncertain significance (1); Likely benign (1). 1 of the submissions does not count toward it. Last evaluated 2025-12-21.

Conditions:
Inborn genetic diseases. Identifiers: MedGen C0950123, MeSH D030342.
USP53-related disorder. Also called: USP53-related condition.

Allele frequency attached by ClinVar (database versions not stated): gnomAD exomes 0.00010; ExAC 0.00038; 1000 Genomes Project 0.00080; 1000 Genomes Project 30x 0.00094; gnomAD 0.00109; TOPMed 0.00124; ESP Exome Variant Server 0.00147.
gnomAD v4.1: 320 of 1,614,122 alleles (0.02%); highest among the groups gnomAD compares: African/African-American, 0.35%; no homozygotes.

Submissions (3):

Labcorp Genetics (formerly Invitae), Labcorp
Classification: Likely benign. Last evaluated: 2025-12-21. Review status: criteria provided, single submitter. Criteria: Invitae Variant Classification Sherloc (09022015). Collection method: clinical testing. Allele origin: germline.

Ambry Genetics
Classification: Uncertain significance for Inborn genetic diseases. Last evaluated: 2024-11-08. Review status: criteria provided, single submitter. Criteria: Ambry Variant Classification Scheme 2023. Collection method: clinical testing. Allele origin: germline.

PreventionGenetics, part of Exact Sciences
Classification: Likely benign for USP53-related condition. Last evaluated: 2022-12-27. Review status: no assertion criteria provided. Collection method: clinical testing. Allele origin: germline. Not counted in ClinVar's aggregate classification.
Comment: This variant is classified as likely benign based on ACMG/AMP sequence variant interpretation guidelines (Richards et al. 2015 PMID: 25741868, with internal and published modifications).